The following is an entry in ClinVar:

NM_007194.4(CHEK2):c.1003G>C (p.Val335Leu)

Gene: CHEK2 (checkpoint kinase 2; minus strand). Cytogenetic location: 22q12.1.
Variant type: single nucleotide variant.
Coding change: c.1003G>C on transcript NM_007194.4 (MANE Select); coding-DNA position 1003, G replaced by C.
Protein change: p.Val335Leu; replaces valine 335 with leucine.
Molecular consequence: missense variant.
Genome position (GRCh38, 1-based): chr22:28,699,843, C>G on the plus strand (G>C on the coding strand, the complement: CHEK2 is on the minus strand). VCF-style: chr22-28699843-C-G. GRCh37 (hg19) VCF-style: chr22-29095831-C-G.
Other names: c.1132G>C, p.Val378Leu (NM_001005735.3); c.340G>C, p.Val114Leu (NM_001257387.3); c.802G>C, p.Val268Leu (NM_001349956.3); c.1003G>C, p.Val335Leu (NM_145862.3); short protein forms V335L, V378L, V114L, V268L.
Identifiers: ClinVar variation 216639 (VCV000216639.33), dbSNP rs563752762, ClinGen allele CA336800.

ClinVar aggregate classification (germline): Uncertain significance. Review status: criteria provided, multiple submitters, no conflicts (2 of 4 stars). 11 submissions from 11 submitters: Uncertain significance (8). 3 of the submissions do not count toward it. Last evaluated 2025-12-15.

Conditions:
Hereditary cancer-predisposing syndrome. Also called: Hereditary Cancer Syndrome; Hereditary neoplastic syndrome; Neoplastic Syndromes, Hereditary; Tumor predisposition. Identifiers: Orphanet 140162, MedGen C0027672, MeSH D009386, MONDO:0015356.
Familial cancer of breast. Also called: Hereditary breast cancer; BREAST CANCER, FAMILIAL; hereditary breast carcinoma. Identifiers: Orphanet 227535, MedGen C0346153, MONDO:0016419, OMIM 114480. Disease mechanism: loss of function.
Malignant tumor of breast. Also called: Cancer breast; Malignant breast neoplasm. Identifiers: MedGen C0006142, MONDO:0007254. Disease mechanism: loss of function.

Allele frequency attached by ClinVar (database versions not stated): TOPMed 0.00002.
gnomAD v4.1: 28 of 1,611,192 alleles (0.0017%); highest among the groups gnomAD compares: Non-Finnish European, 0.0023%; no homozygotes.

Submissions (11):

Labcorp Genetics (formerly Invitae), Labcorp
Classification: Uncertain significance for Familial cancer of breast. Last evaluated: 2025-12-15. Review status: criteria provided, single submitter. Criteria: Invitae Variant Classification Sherloc (09022015). Collection method: clinical testing. Allele origin: germline.
Comment: This sequence change replaces valine, which is neutral and non-polar, with leucine, which is neutral and non-polar, at codon 335 of the CHEK2 protein (p.Val335Leu). This variant is present in population databases (rs563752762, gnomAD 0.0009%). This missense change has been observed in individual(s) with breast cancer (PMID: 27616075, 30303537, 32885271). ClinVar contains an entry for this variant (Variation ID: 216639). An algorithm developed to predict the effect of missense changes on protein structure and function (PolyPhen-2) suggests that this variant is likely to be disruptive. Experimental studies are conflicting or provide insufficient evidence to determine the effect of this variant on CHEK2 function (PMID: 37449874). RNA analysis performed to evaluate the impact of this missense change on mRNA splicing indicates it does not significantly alter splicing (internal data). In summary, the available evidence is currently insufficient to determine the role of this variant in disease. Therefore, it has been classified as a Variant of Uncertain Significance.

Color Diagnostics, LLC DBA Color Health
Classification: Uncertain significance for Hereditary cancer-predisposing syndrome. Last evaluated: 2025-07-21. Review status: criteria provided, single submitter. Criteria: ACMG Guidelines, 2015. Collection method: clinical testing. Allele origin: germline.
Comment: This missense variant replaces valine with leucine at codon 335 of the CHEK2 protein. Computational prediction suggests that this variant may not impact protein structure and function. To our knowledge, protein functional studies have not been reported for this variant. This variant has been identified in 1/251458 chromosomes in the general population by the Genome Aggregation Database (gnomAD). The available evidence is insufficient to determine the role of this variant in disease conclusively. Therefore, this variant is classified as a Variant of Uncertain Significance.

Molecular Pathology, Peter Maccallum Cancer Centre
Classification: Uncertain significance for Familial cancer of breast. Last evaluated: 2025-05-13. Review status: criteria provided, single submitter. Criteria: ACMG Guidelines, 2015. Collection method: clinical testing. Allele origin: germline. Inheritance: Autosomal dominant inheritance.

Quest Diagnostics Nichols Institute San Juan Capistrano
Classification: Uncertain significance. Last evaluated: 2024-07-24. Review status: criteria provided, single submitter. Criteria: Quest Diagnostics criteria. Collection method: clinical testing. Allele origin: unknown.
Comment: The CHEK2 c.1003G>C (p.Val335Leu) variant has been reported in the published literature in individuals with breast cancer (PMID: 27616075 (2016), 30303537 (2019), 32885271 (2021), 33471991 (2021), see also LOVD, 34326862 (2021)), as well as reportedly healthy individuals (PMID: 30303537 (2019), 33471991 (2021), see also LOVD). Experimental evidence regarding the effect of this variant on protein function is conflicting (PMID: 37449874 (2023)). The frequency of this variant in the general population, 0.000004 (1/251458 chromosomes (Genome Aggregation Database)), is uninformative in the assessment of its pathogenicity. Analysis of this variant using bioinformatics tools for the prediction of the effect of amino acid changes on protein structure and function yielded conflicting predictions that this variant is benign or damaging. Based on the available information, we are unable to determine the clinical significance of this variant.

GeneDx
Classification: Uncertain significance. Last evaluated: 2024-05-07. Review status: criteria provided, single submitter. Criteria: GeneDx Variant Classification Process June 2021. Collection method: clinical testing. Allele origin: germline. Affected: yes.
Comment: Published functional studies demonstrate intermediate auto-phosphorylation but kinase activity similar to wild type (PMID: 37449874); Not observed at significant frequency in large population cohorts (gnomAD); In silico analysis supports that this missense variant has a deleterious effect on protein structure/function; This variant is associated with the following publications: (PMID: 27616075, 34326862, 36922933, 22419737, 19782031, 32885271, 35585550, 30303537, 37449874)

Ambry Genetics
Classification: Uncertain significance for Hereditary cancer-predisposing syndrome. Last evaluated: 2024-03-04. Review status: criteria provided, single submitter. Criteria: Ambry Variant Classification Scheme 2023. Collection method: clinical testing. Allele origin: germline.
Comment: The p.V335L variant (also known as c.1003G>C), located in coding exon 8 of the CHEK2 gene, results from a G to C substitution at nucleotide position 1003. The valine at codon 335 is replaced by leucine, an amino acid with highly similar properties. This alteration was identified in multiple individuals diagnosed with breast cancer (Kraus C et al. Int. J. Cancer, 2017 Jan;140:95-102; Girard E et al. Int J Cancer, 2019 04;144:1962-1974; Lerner-Ellis J et al. J Cancer Res Clin Oncol, 2021 Mar;147:871-879; Bhai P et al. Front Genet, 2021 Jul;12:698595). This amino acid position is highly conserved in available vertebrate species. In addition, the in silico prediction for this alteration is inconclusive. Based on the available evidence, the clinical significance of this alteration remains unclear.

MGZ Medical Genetics Center
Classification: Uncertain significance for Familial cancer of breast. Last evaluated: 2021-08-27. Review status: criteria provided, single submitter. Criteria: ACMG Guidelines, 2015. Collection method: clinical testing. Allele origin: germline. Affected: yes. Observed: 1 variant allele.
Comment: ACMG criteria applied: PM2_SUP

Women's Health and Genetics/Laboratory Corporation of America, LabCorp
Classification: Uncertain significance. Last evaluated: 2018-12-14. Review status: criteria provided, single submitter. Criteria: LabCorp Variant Classification Summary - May 2015. Collection method: clinical testing. Allele origin: germline.
Comment: Variant summary: CHEK2 c.1003G>C (p.Val335Leu) results in a conservative amino acid change located in the Protein kinase domain of the encoded protein sequence. Three of five in-silico tools predict a damaging effect of the variant on protein function. The variant allele was found at a frequency of 4.1e-06 in 246222 control chromosomes. The available data on variant occurrences in the general population are insufficient to allow any conclusion about variant significance. c.1003G>C has been reported in the literature in an individual affected with bilateral breast cancer and a family history of testicular cancer (Kraus_2017). These report(s) do not provide unequivocal conclusions about association of the variant with Hereditary Breast and Ovarian Cancer. To our knowledge, no experimental evidence demonstrating an impact on protein function has been reported. Four clinical diagnostic laboratories have submitted clinical-significance assessments for this variant to ClinVar after 2014 without evidence for independent evaluation. All laboratories classified the variant as uncertain significance. Based on the evidence outlined above, the variant was classified as uncertain significance.

Department of Pathology and Laboratory Medicine, Sinai Health System
Classification: Uncertain significance for Malignant tumor of breast. Review status: no assertion criteria provided. Collection method: clinical testing. Allele origin: unknown. Affected: yes. Study: The Canadian Open Genetics Repository (COGR). Not counted in ClinVar's aggregate classification.
Comment: The CHEK2 p.Val335Leu variant was identified in 1 of 1162 proband chromosomes (frequency: 0.0009) from individuals or families with bilateral breast cancer (Kraus 2017). The variant was also identified in dbSNP (ID: rs563752762) as "With Uncertain significance allele", and in ClinVar (classified as uncertain significance by Invitae, Ambry Genetics, GeneDx and Color). The variant was not identified in Cosmic, MutDB, or Zhejiang University, databases. The variant was identified in control databases in 1 of 246222 chromosomes at a frequency of 0.000004 (Genome Aggregation Database Feb 27, 2017). The variant was observed in the European population in 1 of 111672 chromosomes (freq: 0.000009), while the variant was not observed in the African, Other, Latino, Ashkenazi Jewish, East Asian, Finnish, and South Asian populations. The p.Val335 residue is conserved in mammals and computational analyses (PolyPhen-2, SIFT, AlignGVGD, BLOSUM, MutationTaster) provide inconsistent predictions regarding the impact to the protein; this information is not very predictive of pathogenicity. The variant occurs outside of the splicing consensus sequence and 2 of 4 in silico or computational prediction software programs (SpliceSiteFinder, MaxEntScan, NNSPLICE, GeneSplicer) predict a greater than 10% difference in splicing; this is not very predictive of pathogenicity. In summary, based on the above information the clinical significance of this variant cannot be determined with certainty at this time. This variant is classified as a variant of uncertain significance.

Diagnostic Laboratory, Department of Genetics, University Medical Center Groningen
Classification: Uncertain significance. Review status: no assertion criteria provided. Collection method: clinical testing. Allele origin: germline. Affected: yes. Study: VKGL Data-share Consensus. Not counted in ClinVar's aggregate classification.

Joint Genome Diagnostic Labs from Nijmegen and Maastricht, Radboudumc and MUMC+
Classification: Uncertain significance. Review status: no assertion criteria provided. Collection method: clinical testing. Allele origin: germline. Affected: yes. Study: VKGL Data-share Consensus. Not counted in ClinVar's aggregate classification.

Literature cited by the submitters: PubMed 27616075 (cited by 5 submitters); PubMed 30303537 (cited by 3 submitters); PubMed 32885271 (cited by 3 submitters); PubMed 37449874 (cited by Labcorp Genetics (formerly Invitae), Labcorp and Quest Diagnostics Nichols Institute San Juan Capistrano); PubMed 34326862 (cited by Quest Diagnostics Nichols Institute San Juan Capistrano and Ambry Genetics); PubMed 33471991 (cited by Quest Diagnostics Nichols Institute San Juan Capistrano).